The following is an entry in ClinVar:

NM_001346249.2(RALGAPA1):c.6791C>T (p.Pro2264Leu)

Gene: RALGAPA1 (Ral GTPase activating protein catalytic subunit alpha 1; minus strand). Cytogenetic location: 14q13.2.
Variant type: single nucleotide variant.
Coding change: c.6791C>T on transcript NM_001346249.2 (MANE Select); coding-DNA position 6791, C replaced by T.
Protein change: p.Pro2264Leu; replaces proline 2264 with leucine.
Molecular consequence: missense variant.
Genome position (GRCh38, 1-based): chr14:35,627,156, G>A on the plus strand (C>T on the coding strand, the complement: RALGAPA1 is on the minus strand). VCF-style: chr14-35627156-G-A. GRCh37 (hg19) VCF-style: chr14-36096362-G-A.
Other names: p.Pro1758Leu; c.5312C>T, p.Pro1771Leu (NM_001283043.3); c.5414C>T, p.Pro1805Leu (NM_001283044.3, NM_001346245.2, NM_001346247.2); c.6650C>T, p.Pro2217Leu (NM_001330075.3, NM_001346248.2); c.5273C>T, p.Pro1758Leu (NM_001346243.2, NM_001346246.2, NM_014990.3 and 1 more transcripts); short protein forms P1758L, P1771L, P1805L, P2217L, P2264L.
Identifiers: ClinVar variation 3059564 (VCV003059564.3), dbSNP rs140406088, ClinGen allele CA7156233.

ClinVar aggregate classification (germline): Benign. Review status: criteria provided, single submitter (1 of 4 stars). 2 submissions from 2 submitters: Benign (1). 1 of the submissions does not count toward it. Last evaluated 2022-12-27.

Conditions:
RALGAPA1-related disorder. Also called: RALGAPA1-related condition.

Allele frequency attached by ClinVar (database versions not stated): gnomAD 0.01531; 1000 Genomes Project 30x 0.02623; 1000 Genomes Project 0.02756; ESP Exome Variant Server 0.01163; gnomAD exomes 0.01474; TOPMed 0.01500; ExAC 0.01841.
gnomAD v4.1: 23,414 of 1,569,210 alleles (1.5%); highest among the groups gnomAD compares: East Asian, 7%; 340 homozygotes.

Submissions (2):

Mayo Clinic Laboratories, Mayo Clinic
Classification: Benign. Last evaluated: 2022-12-27. Review status: criteria provided, single submitter. Criteria: ACMG Guidelines, 2015. Collection method: clinical testing. Allele origin: germline. Observed: 12 variant alleles.

PreventionGenetics, part of Exact Sciences
Classification: Likely benign for RALGAPA1-related condition. Last evaluated: 2023-12-11. Review status: no assertion criteria provided. Collection method: clinical testing. Allele origin: germline. Not counted in ClinVar's aggregate classification.
Comment: This variant is classified as likely benign based on ACMG/AMP sequence variant interpretation guidelines (Richards et al. 2015 PMID: 25741868, with internal and published modifications).